The following is an entry in ClinVar:

ClinVar aggregate classification (germline): Uncertain significance. Review status: criteria provided, multiple submitters, no conflicts (2 of 4 stars). 3 submissions from 3 submitters: Uncertain significance (3). Last evaluated 2024-07-09.

Conditions:
Inborn genetic diseases. Identifiers: MedGen C0950123, MeSH D030342.
Sucrase-isomaltase deficiency (CSID). Also called: Deficiency of isomaltase; Congenital sucrose isomaltose malabsorption; Sucrose isomaltose enzyme deficiency; SI DEFICIENCY. Identifiers: Orphanet 35122, MedGen C1283620, MONDO:0009114, OMIM 222900.

Allele frequency attached by ClinVar (database versions not stated): ExAC 0.00001; gnomAD 0.00001; gnomAD exomes 0.00002 and 0.00003; TOPMed 0.00002.
gnomAD v4.1: 36 of 1,607,486 alleles (0.0022%); highest among the groups gnomAD compares: Admixed American, 0.013%; no homozygotes.

Submissions (3):

Ambry Genetics
Classification: Uncertain significance for Inborn genetic diseases. Last evaluated: 2024-07-09. Review status: criteria provided, single submitter. Criteria: Ambry Variant Classification Scheme 2023. Collection method: clinical testing. Allele origin: germline.

Fulgent Genetics
Classification: Uncertain significance for Sucrase-isomaltase deficiency. Last evaluated: 2024-05-15. Review status: criteria provided, single submitter. Criteria: ACMG Guidelines, 2015. Collection method: clinical testing. Allele origin: germline.

Labcorp Genetics (formerly Invitae), Labcorp
Classification: Uncertain significance. Last evaluated: 2022-11-08. Review status: criteria provided, single submitter. Criteria: Invitae Variant Classification Sherloc (09022015). Collection method: clinical testing. Allele origin: germline.
Comment: In summary, the available evidence is currently insufficient to determine the role of this variant in disease. Therefore, it has been classified as a Variant of Uncertain Significance. Advanced modeling of protein sequence and biophysical properties (such as structural, functional, and spatial information, amino acid conservation, physicochemical variation, residue mobility, and thermodynamic stability) has been performed at Invitae for this missense variant, however the output from this modeling did not meet the statistical confidence thresholds required to predict the impact of this variant on SI protein function. ClinVar contains an entry for this variant (Variation ID: 1367638). This variant has not been reported in the literature in individuals affected with SI-related conditions. This variant is present in population databases (rs770724135, gnomAD 0.01%). This sequence change replaces methionine, which is neutral and non-polar, with valine, which is neutral and non-polar, at codon 780 of the SI protein (p.Met780Val).

NM_001041.4(SI):c.2338A>G (p.Met780Val)

Gene: SI (sucrase-isomaltase; minus strand). Cytogenetic location: 3q26.1.
Variant type: single nucleotide variant.
Coding change: c.2338A>G on transcript NM_001041.4 (MANE Select); coding-DNA position 2338, A replaced by G.
Protein change: p.Met780Val; replaces methionine 780 with valine.
Molecular consequence: missense variant.
Genome position (GRCh38, 1-based): chr3:165,037,988, T>C on the plus strand (A>G on the coding strand, the complement: SI is on the minus strand). VCF-style: chr3-165037988-T-C. GRCh37 (hg19) VCF-style: chr3-164755776-T-C.
Other names: c.2338A>G (NM_001041.3); short protein forms M780V.
Identifiers: ClinVar variation 1367638 (VCV001367638.9), dbSNP rs770724135, ClinGen allele CA2690730.